The following is an entry in ClinVar:

ClinVar aggregate classification (germline): Uncertain significance. Review status: criteria provided, multiple submitters, no conflicts (2 of 4 stars). 3 submissions from 3 submitters: Uncertain significance (3). Last evaluated 2026-08-06.

Conditions:
Bone mineral density quantitative trait locus 1 (BMND1). Identifiers: MedGen C1866079, OMIM 601884.

Allele frequency attached by ClinVar (database versions not stated): gnomAD exomes 0.00001; TOPMed below 0.00001; ExAC 0.00001.
gnomAD v4.1: 18 of 1,614,136 alleles (0.0011%); highest among the groups gnomAD compares: Non-Finnish European, 0.001%; no homozygotes.

Submissions (3):

OLLIN Analises Genomicas, OLLIN
Classification: Uncertain significance for Bone mineral density quantitative trait locus 1. Last evaluated: 2026-08-06. Review status: criteria provided, single submitter. Criteria: ACMG Guidelines 2015 PMID 25741868. Collection method: clinical testing. Allele origin: germline. Inheritance: Autosomal dominant inheritance.
Comment: This missense variant, located in exon 9 (of 23), has been reported in ClinVar (accession VCV001462046.6) and in gnomAD with an allele frequency of 0.0011%. However, to our knowledge, it has not been reported in the scientific literature. In silico analysis predicts that this variant has a deleterious effect. This gene is constrained for missense variation. According to the currently available evidence, this variant has been classified as uncertain significance (PP2, PP3_S, BS1).

Labcorp Genetics (formerly Invitae), Labcorp
Classification: Uncertain significance. Last evaluated: 2025-06-17. Review status: criteria provided, single submitter. Criteria: Invitae Variant Classification Sherloc (09022015). Collection method: clinical testing. Allele origin: germline.
Comment: This sequence change replaces glycine, which is neutral and non-polar, with serine, which is neutral and polar, at codon 630 of the LRP5 protein (p.Gly630Ser). This variant is present in population databases (rs777141177, gnomAD 0.004%). This variant has not been reported in the literature in individuals affected with LRP5-related conditions. ClinVar contains an entry for this variant (Variation ID: 1462046). Invitae Evidence Modeling of protein sequence and biophysical properties (such as structural, functional, and spatial information, amino acid conservation, physicochemical variation, residue mobility, and thermodynamic stability) has been performed for this missense variant. However, the output from this modeling did not meet the statistical confidence thresholds required to predict the impact of this variant on LRP5 protein function. In summary, the available evidence is currently insufficient to determine the role of this variant in disease. Therefore, it has been classified as a Variant of Uncertain Significance.

Blueprint Genetics
Classification: Uncertain significance. Last evaluated: 2023-04-26. Review status: criteria provided, single submitter. Criteria: ACMG Guidelines, 2015. Collection method: clinical testing. Allele origin: germline.

NM_002335.4(LRP5):c.1888G>A (p.Gly630Ser)

Gene: LRP5 (LDL receptor related protein 5; plus strand). Cytogenetic location: 11q13.2.
Variant type: single nucleotide variant.
Coding change: c.1888G>A on transcript NM_002335.4 (MANE Select); coding-DNA position 1888, G replaced by A.
Protein change: p.Gly630Ser; replaces glycine 630 with serine.
Molecular consequence: missense variant.
Genome position (GRCh38, 1-based): chr11:68,406,610, G>A. VCF-style: chr11-68406610-G-A. GRCh37 (hg19) VCF-style: chr11-68174078-G-A.
Other names: c.145G>A, p.Gly49Ser (NM_001291902.2); short protein forms G49S, G630S.
Identifiers: ClinVar variation 1462046 (VCV001462046.8), dbSNP rs777141177, ClinGen allele CA6149483.